The following is an entry in ClinVar:

ClinVar aggregate classification (germline): Uncertain significance (1 of 4 stars; one submission).

Conditions:
GNAS-related disorder. Identifiers: MedGen CN380105.

gnomAD v4.1: 1 of 1,597,454 alleles (0.000063%); highest among the groups gnomAD compares: Non-Finnish European, 0.000085%; no homozygotes.

Submission:

PreventionGenetics, part of Exact Sciences
Classification: Uncertain significance for GNAS-related condition. Last evaluated: 2025-01-04. Review status: criteria provided, single submitter. Criteria: ACMG Guidelines, 2015. Collection method: clinical testing. Allele origin: germline.
Comment: The GNAS c.1769C>G variant is predicted to result in the amino acid substitution p.Pro590Arg. To our knowledge, this variant has not been reported in the literature or in a large population database (gnomAD), indicating this variant is rare. This variant is located in an alternate transcript of the GNAS gene. In the primary HGMD transcript, this variant is located pre-coding (NM_000516.5:c.-36506C>G). At this time, the clinical significance of this variant is uncertain due to the absence of conclusive functional and genetic evidence.

NM_080425.4(GNAS):c.1956C>G (p.Ala652=)

Gene: GNAS (GNAS complex locus; plus strand). Cytogenetic location: 20q13.32.
Variant type: single nucleotide variant.
Coding change: c.1956C>G on transcript NM_080425.4 (MANE Plus Clinical); coding-DNA position 1956, C replaced by G.
Protein change: p.Ala652=; no amino-acid change (alanine 652 retained).
Molecular consequence: synonymous variant. On other transcripts: missense variant (2), intron variant (3).
Genome position (GRCh38, 1-based): chr20:58,855,221, C>G. VCF-style: chr20-58855221-C-G. GRCh37 (hg19) VCF-style: chr20-57430276-C-G.
Other names: c.1769C>G, p.Pro590Arg (NM_001077490.3, NM_001309883.1); c.1956C>G, p.Ala652= (NM_001410913.1); c.*42+14335C>G (NM_016592.5); c.43+14335C>G (NM_001410912.1); c.-39+13346C>G (NM_001309861.2); short protein forms P590R.
Identifiers: ClinVar variation 5001152 (VCV005001152.1).